The following is an entry in ClinVar:

NM_000077.5(CDKN2A):c.7C>G (p.Pro3Ala)

Genes: CDKN2A (cyclin dependent kinase inhibitor 2A; minus strand), LOC130001603 (ATAC-STARR-seq lymphoblastoid silent region 19811; plus strand). Cytogenetic location: 9p21.3.
Variant type: single nucleotide variant.
Coding change: c.7C>G on transcript NM_000077.5; coding-DNA position 7, C replaced by G.
Protein change: p.Pro3Ala; replaces proline 3 with alanine.
Molecular consequence: missense variant (on NM_000077.6). On other transcripts: intron variant (2).
Genome position (GRCh38, 1-based): chr9:21,974,821, G>C on the plus strand (C>G on the coding strand, the complement: CDKN2A is on the minus strand). VCF-style: chr9-21974821-G-C. GRCh37 (hg19) VCF-style: chr9-21974820-G-C.
Other names: c.7C>G, p.Pro3Ala (NM_000077.6, NM_001195132.2, NM_058197.5); c.-3-3613C>G (NM_001363763.2); c.194-3613C>G (NM_058195.4); short protein forms P3A.
Identifiers: ClinVar variation 3777287 (VCV003777287.2).
Genomic context (GRCh38, chr9:21,974,821, plus strand): 5'-CCCGGGCCGCGGCCGTGGCCAGCCAGTCAGCCGAAGGCTCCATGCTGCTCCCCGCCGCCG[G>C]CTCCATGCTGCTCCCCGCCGCCCGCTGCCTGCTCTCCCCCTCTCCGCAGCCGCCGAGCGC-3'
Protein context (NP_000068.1, residues 1-13): ME[Pro3Ala]AAGSSMEPSA

ClinVar aggregate classification (germline): Uncertain significance. Review status: criteria provided, multiple submitters, no conflicts (2 of 4 stars). 2 submissions from 2 submitters: Uncertain significance (2). Last evaluated 2025-03-25.

Conditions:
Hereditary cancer-predisposing syndrome. Also called: Tumor predisposition; Hereditary Cancer Syndrome; Hereditary neoplastic syndrome; Neoplastic Syndromes, Hereditary. Identifiers: Orphanet 140162, MedGen C0027672, MeSH D009386, MONDO:0015356.

gnomAD v4.1: 2 of 1,591,704 alleles (0.00013%); highest among the groups gnomAD compares: Non-Finnish European, 0.00017%; no homozygotes.

Submissions (2):

Ambry Genetics
Classification: Uncertain significance for Hereditary cancer-predisposing syndrome. Last evaluated: 2025-03-25. Review status: criteria provided, single submitter. Criteria: Ambry Variant Classification Scheme 2023. Collection method: clinical testing. Allele origin: germline.
Comment: The p.P3A variant (also known as c.7C>G), located in coding exon 1 of the CDKN2A gene, results from a C to G substitution at nucleotide position 7. The proline at codon 3 is replaced by alanine, an amino acid with highly similar properties. This amino acid position is not conserved on limited sequence alignment. In addition, this alteration is predicted to be tolerated by in silico analysis. Based on the available evidence, the clinical significance of this variant remains unclear.

GeneDx
Classification: Uncertain significance. Last evaluated: 2024-10-14. Review status: criteria provided, single submitter. Criteria: GeneDx Variant Classification Process June 2021. Collection method: clinical testing. Allele origin: germline. Affected: yes.
Comment: Not observed at significant frequency in large population cohorts (gnomAD); In silico analysis indicates that this missense variant does not alter protein structure/function; Has not been previously published as pathogenic or benign to our knowledge